The following is an entry in ClinVar:

NM_175634.3(RUNX1T1):c.1450G>A (p.Ala484Thr)

Gene: RUNX1T1 (RUNX1 partner transcriptional co-repressor 1; minus strand). Cytogenetic location: 8q21.3.
Variant type: single nucleotide variant.
Coding change: c.1450G>A on transcript NM_175634.3 (MANE Select); coding-DNA position 1450, G replaced by A.
Protein change: p.Ala484Thr; replaces alanine 484 with threonine.
Molecular consequence: missense variant.
Genome position (GRCh38, 1-based): chr8:91,970,747, C>T on the plus strand (G>A on the coding strand, the complement: RUNX1T1 is on the minus strand). VCF-style: chr8-91970747-C-T. GRCh37 (hg19) VCF-style: chr8-92982975-C-T.
Other names: c.1369G>A, p.Ala457Thr (NM_001198625.2, NM_001198632.2, NM_004349.4); c.1450G>A, p.Ala484Thr (NM_001198626.2, NM_001198627.2, NM_001198628.2 and 3 more transcripts); c.1390G>A, p.Ala464Thr (NM_001198633.2); c.1483G>A, p.Ala495Thr (NM_001198634.2); c.1627G>A, p.Ala543Thr (NM_001198679.3); c.1534G>A, p.Ala512Thr (NM_001395209.1); c.1339G>A, p.Ala447Thr (NM_175635.3, NM_175636.2); short protein forms A447T, A457T, A464T, A484T, A495T, A512T, A543T.
Identifiers: ClinVar variation 3381440 (VCV003381440.1).

ClinVar aggregate classification (germline): Uncertain significance (1 of 4 stars; one submission).

Submission:

GeneDx
Classification: Uncertain significance. Last evaluated: 2023-05-23. Review status: criteria provided, single submitter. Criteria: GeneDx Variant Classification Process June 2021. Collection method: clinical testing. Allele origin: germline. Affected: yes.
Comment: Not observed at significant frequency in large population cohorts (gnomAD); In silico analysis supports that this missense variant has a deleterious effect on protein structure/function; Has not been previously published as pathogenic or benign to our knowledge; Variants in candidate genes are classified as variants of uncertain significance in accordance with ACMG guidelines (Richards et al., 2015)